The following is an entry in ClinVar:

NM_001105206.3(LAMA4):c.1163C>A (p.Ala388Asp)

Gene: LAMA4 (laminin subunit alpha 4; minus strand). Cytogenetic location: 6q21.
Variant type: single nucleotide variant.
Coding change: c.1163C>A on transcript NM_001105206.3 (MANE Select); coding-DNA position 1163, C replaced by A.
Protein change: p.Ala388Asp; replaces alanine 388 with aspartic acid.
Molecular consequence: missense variant.
Genome position (GRCh38, 1-based): chr6:112,178,147, G>T on the plus strand (C>A on the coding strand, the complement: LAMA4 is on the minus strand). VCF-style: chr6-112178147-G-T. GRCh37 (hg19) VCF-style: chr6-112499349-G-T.
Other names: c.1142C>A, p.Ala381Asp (NM_001105207.3, NM_002290.5); short protein forms A381D, A388D.
Identifiers: ClinVar variation 859401 (VCV000859401.14), dbSNP rs1355664776, ClinGen allele CA365372915.

ClinVar aggregate classification (germline): Uncertain significance. Review status: criteria provided, multiple submitters, no conflicts (2 of 4 stars). 4 submissions from 4 submitters: Uncertain significance (4). Last evaluated 2024-04-19.

Conditions:
Cardiovascular phenotype. Identifiers: MedGen CN230736.
Dilated cardiomyopathy 1JJ (CMD1JJ). Identifiers: Orphanet 154, MedGen C3808935, MONDO:0014095, OMIM 615235.

Allele frequency attached by ClinVar (database versions not stated): TOPMed 0.00001.

Submissions (4):

Ambry Genetics
Classification: Uncertain significance for Cardiovascular phenotype. Last evaluated: 2024-04-19. Review status: criteria provided, single submitter. Criteria: Ambry Variant Classification Scheme 2023. Collection method: clinical testing. Allele origin: germline.

Fulgent Genetics
Classification: Uncertain significance for Dilated cardiomyopathy 1JJ. Last evaluated: 2021-08-31. Review status: criteria provided, single submitter. Criteria: ACMG Guidelines, 2015. Collection method: clinical testing. Allele origin: unknown.

Labcorp Genetics (formerly Invitae), Labcorp
Classification: Uncertain significance for Dilated cardiomyopathy 1JJ. Last evaluated: 2020-09-27. Review status: criteria provided, single submitter. Criteria: Invitae Variant Classification Sherloc (09022015). Collection method: clinical testing. Allele origin: germline.
Comment: This variant is not present in population databases (ExAC no frequency). This sequence change replaces alanine with aspartic acid at codon 381 of the LAMA4 protein (p.Ala381Asp). The alanine residue is moderately conserved and there is a moderate physicochemical difference between alanine and aspartic acid. This variant has not been reported in the literature in individuals with LAMA4-related conditions. In summary, the available evidence is currently insufficient to determine the role of this variant in disease. Therefore, it has been classified as a Variant of Uncertain Significance. Algorithms developed to predict the effect of missense changes on protein structure and function (SIFT, PolyPhen-2, Align-GVGD) all suggest that this variant is likely to be tolerated, but these predictions have not been confirmed by published functional studies and their clinical significance is uncertain.

GeneDx
Classification: Uncertain significance. Last evaluated: 2019-12-02. Review status: criteria provided, single submitter. Criteria: GeneDx Variant Classification Process June 2021. Collection method: clinical testing. Allele origin: germline. Affected: yes.
Comment: Has not been previously published as pathogenic or benign to our knowledge; Not observed in large population cohorts (Lek et al., 2016); In silico analysis supports that this missense variant does not alter protein structure/function